The following is an entry in ClinVar:

NM_024652.6(LRRK1):c.2328C>T (p.Ala776=)

Gene: LRRK1 (leucine rich repeat kinase 1; plus strand). Cytogenetic location: 15q26.3.
Variant type: single nucleotide variant.
Coding change: c.2328C>T on transcript NM_024652.6 (MANE Select); coding-DNA position 2328, C replaced by T.
Protein change: p.Ala776=; no amino-acid change (alanine 776 retained).
Molecular consequence: synonymous variant.
Genome position (GRCh38, 1-based): chr15:101,026,060, C>T. VCF-style: chr15-101026060-C-T. GRCh37 (hg19) VCF-style: chr15-101566265-C-T.
Identifiers: ClinVar variation 3047548 (VCV003047548.4), dbSNP rs972179032, ClinGen allele CA275634886.

ClinVar aggregate classification (germline): Likely benign. Review status: criteria provided, single submitter (1 of 4 stars). 2 submissions from 2 submitters: Likely benign (1). 1 of the submissions does not count toward it. Last evaluated 2024-01-29.

Conditions:
LRRK1-related disorder. Also called: LRRK1-related condition.

Allele frequency attached by ClinVar (database versions not stated): gnomAD 0.00001; TOPMed 0.00001.

Submissions (2):

Labcorp Genetics (formerly Invitae), Labcorp
Classification: Likely benign. Last evaluated: 2024-01-29. Review status: criteria provided, single submitter. Criteria: Invitae Variant Classification Sherloc (09022015). Collection method: clinical testing. Allele origin: germline.

PreventionGenetics, part of Exact Sciences
Classification: Likely benign for LRRK1-related condition. Last evaluated: 2019-04-01. Review status: no assertion criteria provided. Collection method: clinical testing. Allele origin: germline. Not counted in ClinVar's aggregate classification.
Comment: This variant is classified as likely benign based on ACMG/AMP sequence variant interpretation guidelines (Richards et al. 2015 PMID: 25741868, with internal and published modifications).